The following is an entry in ClinVar:

ClinVar aggregate classification (germline): Uncertain significance (1 of 4 stars; one submission).

Submission:

Ambry Genetics
Classification: Uncertain significance. Last evaluated: 2021-11-02. Review status: criteria provided, single submitter. Criteria: Ambry Variant Classification Scheme 2023. Collection method: clinical testing. Allele origin: germline.
Comment: The p.S1023N variant (also known as c.3068G>A), located in coding exon 27 of the PRKDC gene, results from a G to A substitution at nucleotide position 3068. The serine at codon 1023 is replaced by asparagine, an amino acid with highly similar properties. This amino acid position is conserved. In addition, this alteration is predicted to be tolerated by in silico analysis. Since supporting evidence is limited at this time, the clinical significance of this alteration remains unclear.

NM_006904.7(PRKDC):c.3068G>A (p.Ser1023Asn)

Gene: PRKDC (protein kinase, DNA-activated, catalytic subunit; minus strand). Cytogenetic location: 8q11.21.
Variant type: single nucleotide variant.
Coding change: c.3068G>A on transcript NM_006904.7 (MANE Select); coding-DNA position 3068, G replaced by A.
Protein change: p.Ser1023Asn; replaces serine 1023 with asparagine.
Molecular consequence: missense variant.
Genome position (GRCh38, 1-based): chr8:47,902,770, C>T on the plus strand (G>A on the coding strand, the complement: PRKDC is on the minus strand). VCF-style: chr8-47902770-C-T. GRCh37 (hg19) VCF-style: chr8-48815330-C-T.
Other names: c.3068G>A, p.Ser1023Asn (NM_001081640.2); short protein forms S1023N.
Identifiers: ClinVar variation 1799446 (VCV001799446.2), dbSNP rs2551875606, ClinGen allele CA371157111.